The following is an entry in ClinVar:

NM_144997.7(FLCN):c.1008G>A (p.Gly336=)

Gene: FLCN (folliculin; minus strand). Cytogenetic location: 17p11.2.
Variant type: single nucleotide variant.
Coding change: c.1008G>A on transcript NM_144997.7 (MANE Select); coding-DNA position 1008, G replaced by A.
Protein change: p.Gly336=; no amino-acid change (glycine 336 retained).
Molecular consequence: synonymous variant.
Genome position (GRCh38, 1-based): chr17:17,219,073, C>T on the plus strand (G>A on the coding strand, the complement: FLCN is on the minus strand). VCF-style: chr17-17219073-C-T. GRCh37 (hg19) VCF-style: chr17-17122387-C-T.
Other names: c.1062G>A, p.Gly354= (NM_001353229.2); c.1008G>A, p.Gly336= (NM_001353230.2, NM_001353231.2).
Identifiers: ClinVar variation 2026571 (VCV002026571.5), dbSNP rs2544194030, ClinGen allele CA498163531.

ClinVar aggregate classification (germline): Benign/Likely benign. Review status: criteria provided, multiple submitters, no conflicts (2 of 4 stars). 2 submissions from 2 submitters: Benign (1); Likely benign (1). Last evaluated 2024-10-23.

Conditions:
Birt-Hogg-Dube syndrome. Also called: Birt Hogg Dubé syndrome. Identifiers: Orphanet 122, MedGen C0346010, MONDO:0800444.
Birt-Hogg-Dube syndrome 1 (BHD1). Also called: FIBROFOLLICULOMAS WITH TRICHODISCOMAS AND ACROCHORDONS. Identifiers: Orphanet 122, MedGen CN375946, MONDO:0800445, OMIM 135150.

Submissions (2):

Myriad Genetics, Inc.
Classification: Benign for Birt-Hogg-Dube syndrome 1. Last evaluated: 2024-10-23. Review status: criteria provided, single submitter. Criteria: Myriad Autosomal Dominant, Autosomal Recessive and X-Linked Classification Criteria (2023). Collection method: clinical testing. Allele origin: unknown.
Comment: This variant is considered benign. This variant is a silent/synonymous amino acid change and it is not expected to impact splicing.

Labcorp Genetics (formerly Invitae), Labcorp
Classification: Likely benign for Birt-Hogg-Dube syndrome. Last evaluated: 2023-12-12. Review status: criteria provided, single submitter. Criteria: Invitae Variant Classification Sherloc (09022015). Collection method: clinical testing. Allele origin: germline.